The following is an entry in ClinVar:

ClinVar aggregate classification (germline): Uncertain significance (1 of 4 stars; one submission).

Allele frequency attached by ClinVar (database versions not stated): gnomAD exomes below 0.00001.
gnomAD v4.1: 2 of 1,613,816 alleles (0.00012%); highest among the groups gnomAD compares: Non-Finnish European, 0.00017%; no homozygotes.

Submission:

Labcorp Genetics (formerly Invitae), Labcorp
Classification: Uncertain significance. Last evaluated: 2023-11-28. Review status: criteria provided, single submitter. Criteria: Invitae Variant Classification Sherloc (09022015). Collection method: clinical testing. Allele origin: germline.
Comment: This sequence change replaces threonine, which is neutral and polar, with lysine, which is basic and polar, at codon 736 of the STAT4 protein (p.Thr736Lys). This variant is not present in population databases (gnomAD no frequency). This variant has not been reported in the literature in individuals affected with STAT4-related conditions. An algorithm developed to predict the effect of missense changes on protein structure and function (PolyPhen-2) suggests that this variant is likely to be tolerated. Algorithms developed to predict the effect of sequence changes on RNA splicing suggest that this variant may disrupt the consensus splice site. In summary, the available evidence is currently insufficient to determine the role of this variant in disease. Therefore, it has been classified as a Variant of Uncertain Significance.

NM_003151.4(STAT4):c.2207C>A (p.Thr736Lys)

Genes: STAT4 (signal transducer and activator of transcription 4; minus strand), STAT4-AS1 (STAT4 antisense RNA 1; plus strand). Cytogenetic location: 2q32.2.
Variant type: single nucleotide variant.
Coding change: c.2207C>A on transcript NM_003151.4 (MANE Select); coding-DNA position 2207, C replaced by A.
Protein change: p.Thr736Lys; replaces threonine 736 with lysine.
Molecular consequence: missense variant. On other transcripts: non-coding transcript variant (1).
Genome position (GRCh38, 1-based): chr2:191,030,985, G>T on the plus strand (C>A on the coding strand, the complement: STAT4 is on the minus strand). VCF-style: chr2-191030985-G-T. GRCh37 (hg19) VCF-style: chr2-191895711-G-T.
Other names: c.2207C>A, p.Thr736Lys (NM_001243835.2); short protein forms T736K.
Identifiers: ClinVar variation 2800995 (VCV002800995.3), dbSNP rs908276985, ClinGen allele CA349906124.
Genomic context (GRCh38, chr2:191,030,985, plus strand): 5'-TCGTTGGAAACACCTTTGACCAGCAATGGAAAATAAAGGGAACATACTGCAGTTTCAATT[G>T]TTGTGGGACTCAGGTTTTCTCTCAACACCGCATACACACTTGGAGACATGGGAAGAAGGT-3'
Protein context (NP_003142.1, residues 726-746): AVLRENLSPT[Thr736Lys]IETAMKSPYS